The following is an entry in ClinVar:

ClinVar aggregate classification (germline): Uncertain significance. Review status: criteria provided, multiple submitters, no conflicts (2 of 4 stars). 2 submissions from 2 submitters: Uncertain significance (2). Last evaluated 2025-05-24.

Conditions:
Cardiovascular phenotype. Identifiers: MedGen CN230736.

Allele frequency attached by ClinVar (database versions not stated): TOPMed below 0.00001; ExAC 0.00001.

Submissions (2):

Ambry Genetics
Classification: Uncertain significance for Cardiovascular phenotype. Last evaluated: 2025-05-24. Review status: criteria provided, single submitter. Criteria: Ambry Variant Classification Scheme 2023. Collection method: clinical testing. Allele origin: germline.
Comment: The p.E382V variant (also known as c.1145A>T), located in coding exon 1 of the FKRP gene, results from an A to T substitution at nucleotide position 1145. The glutamic acid at codon 382 is replaced by valine, an amino acid with dissimilar properties. This amino acid position is conserved. In addition, the in silico prediction for this alteration is inconclusive. Based on the available evidence, the clinical significance of this variant remains unclear.

Revvity Omics, Revvity
Classification: Uncertain significance. Last evaluated: 2022-03-10. Review status: criteria provided, single submitter. Criteria: ACMG Guidelines, 2015. Collection method: clinical testing. Allele origin: germline.

NM_024301.5(FKRP):c.1145A>T (p.Glu382Val)

Gene: FKRP (fukutin related protein; plus strand). Cytogenetic location: 19q13.32.
Variant type: single nucleotide variant.
Coding change: c.1145A>T on transcript NM_024301.5 (MANE Select); coding-DNA position 1145, A replaced by T.
Protein change: p.Glu382Val; replaces glutamic acid 382 with valine.
Molecular consequence: missense variant.
Genome position (GRCh38, 1-based): chr19:46,756,595, A>T. VCF-style: chr19-46756595-A-T. GRCh37 (hg19) VCF-style: chr19-47259852-A-T.
Other names: c.1145A>T (NM_024301.4); c.1145A>T, p.Glu382Val (NM_001039885.3); short protein forms E382V.
Identifiers: ClinVar variation 2441447 (VCV002441447.4), dbSNP rs756347653, ClinGen allele CA9532257.